The following is an entry in ClinVar:

ClinVar aggregate classification (germline): Uncertain significance. Review status: criteria provided, single submitter (1 of 4 stars). 2 submissions from 2 submitters: Uncertain significance (1). 1 of the submissions does not count toward it. Last evaluated 2025-08-14.

Allele frequency attached by ClinVar (database versions not stated): gnomAD 0.00001; ExAC 0.00002; ESP Exome Variant Server 0.00008.
gnomAD v4.1: 127 of 1,613,976 alleles (0.0079%); highest among the groups gnomAD compares: Non-Finnish European, 0.01%; no homozygotes.

Submissions (2):

Ambry Genetics
Classification: Uncertain significance. Last evaluated: 2025-08-14. Review status: criteria provided, single submitter. Criteria: Ambry Variant Classification Scheme 2023. Collection method: clinical testing. Allele origin: germline.

Department of Pathology and Laboratory Medicine, Sinai Health System
Classification: Uncertain significance. Review status: no assertion criteria provided. Collection method: clinical testing. Allele origin: unknown. Affected: yes. Study: The Canadian Open Genetics Repository (COGR). Not counted in ClinVar's aggregate classification.
Comment: The ABCC11 p.Thr389Asn variant was not identified in the literature nor was it identified in ClinVar. The variant was identified in dbSNP (ID: rs369153671). The variant was identified in control databases in 8 of 251216 chromosomes at a frequency of 0.00003185 (Genome Aggregation Database March 6, 2019, v2.1.1). The variant was observed in the following populations: European (non-Finnish) in 7 of 113544 chromosomes (freq: 0.000062), African in 1 of 16234 chromosomes (freq: 0.000062), but was not observed in the Latino, Ashkenazi Jewish, East Asian, European (Finnish), Other, or South Asian populations. The p.Thr389 residue is not conserved in mammals and computational analyses (PolyPhen-2, SIFT, AlignGVGD, BLOSUM, MutationTaster) do not suggest a high likelihood of impact to the protein; however, this information is not predictive enough to rule out pathogenicity. The variant occurs outside of the splicing consensus sequence and in silico or computational prediction software programs (SpliceSiteFinder, MaxEntScan, NNSPLICE, GeneSplicer) do not predict a difference in splicing. In summary, based on the above information the clinical significance of this variant cannot be determined with certainty at this time. This variant is classified as a variant of uncertain significance.

NM_001370497.1(ABCC11):c.1166C>A (p.Thr389Asn)

Gene: ABCC11 (ATP binding cassette subfamily C member 11; minus strand). Cytogenetic location: 16q12.1.
Variant type: single nucleotide variant.
Coding change: c.1166C>A on transcript NM_001370497.1 (MANE Select); coding-DNA position 1166, C replaced by A.
Protein change: p.Thr389Asn; replaces threonine 389 with asparagine.
Molecular consequence: missense variant.
Genome position (GRCh38, 1-based): chr16:48,214,963, G>T on the plus strand (C>A on the coding strand, the complement: ABCC11 is on the minus strand). VCF-style: chr16-48214963-G-T. GRCh37 (hg19) VCF-style: chr16-48248874-G-T.
Other names: c.1166C>A, p.Thr389Asn (NM_001370496.1, NM_032583.4, NM_033151.4 and 1 more transcripts); c.1166C>A (NM_032583.3); short protein forms T389N.
Identifiers: ClinVar variation 1049104 (VCV001049104.2), dbSNP rs369153671, ClinGen allele CA8043982.
Genomic context (GRCh38, chr16:48,214,963, plus strand): 5'-TTTAAGGATGTGTGGATGAGAACCCAGACCGCTGTGGCCACTGTGGGGATGATGAACAAG[G>T]TTATACTTGTCAGGCTCTGGACAAGCCCGCACTTCTCCAATAGTTTCCTTTCCTTCCTTC-3'
Protein context (NP_001357426.1, residues 379-399): CGLVQSLTSI[Thr389Asn]LFIIPTVATA